The following is an entry in ClinVar:

NM_022124.6(CDH23):c.3574G>T (p.Val1192Phe)

Genes: C10orf105 (chromosome 10 open reading frame 105; minus strand), CDH23 (cadherin related 23; plus strand). Cytogenetic location: 10q22.1.
Variant type: single nucleotide variant.
Coding change: c.3574G>T on transcript NM_022124.6 (MANE Select); coding-DNA position 3574, G replaced by T.
Protein change: p.Val1192Phe; replaces valine 1192 with phenylalanine.
Molecular consequence: missense variant. On other transcripts: intron variant (1).
Genome position (GRCh38, 1-based): chr10:71,725,515, G>T. VCF-style: chr10-71725515-G-T. GRCh37 (hg19) VCF-style: chr10-73485272-G-T.
Other names: c.3574G>T, p.Val1192Phe (NM_001171930.2); c.-5-9173C>A (NM_001168390.2); short protein forms V1192F.
Identifiers: ClinVar variation 4055913 (VCV004055913.1).

ClinVar aggregate classification (germline): Uncertain significance (1 of 4 stars; one submission).

Submission:

GeneDx
Classification: Uncertain significance. Last evaluated: 2025-01-04. Review status: criteria provided, single submitter. Criteria: GeneDx Variant Classification Process June 2021. Collection method: clinical testing. Allele origin: germline. Affected: yes.
Comment: Not observed at significant frequency in large population cohorts (gnomAD); In silico analysis supports that this missense variant has a deleterious effect on protein structure/function; Has not been previously published as pathogenic or benign to our knowledge